The following is an entry in ClinVar:

ClinVar aggregate classification (germline): Likely benign. Review status: criteria provided, multiple submitters, no conflicts (2 of 4 stars). 2 submissions from 2 submitters: Likely benign (2). Last evaluated 2026-04-14.

Conditions:
Low phospholipid associated cholelithiasis (GBD1). Also called: Gallstone cholecystitis; Gallbladder disease 1. Identifiers: Orphanet 69663, MedGen C2609268, MONDO:0010939, OMIM 600803.
Familial intrahepatic cholestasis. Identifiers: Orphanet 284385, MedGen CN296401, MONDO:0017290.

Allele frequency attached by ClinVar (database versions not stated): gnomAD exomes below 0.00001; ExAC 0.00003.
gnomAD v4.1: 7 of 1,614,228 alleles (0.00043%); highest among the groups gnomAD compares: South Asian, 0.0077%; no homozygotes.

Submissions (2):

Genomenon, Inc
Classification: Likely benign for Familial intrahepatic cholestasis; Low phospholipid associated cholelithiasis. Last evaluated: 2026-04-14. Review status: criteria provided, single submitter. Criteria: Genomenon Sequence Variant Interpretation Standards - Updated. Collection method: curation. Allele origin: germline. Affected: no.
Comment: ABCB4 c.3207C>T is a synonymous variant that retains Glycine at residue 1069. This variant has been reported in the published literature (PMID:30079523). It is absent or not present at a significant frequency in gnomAD. This synonymous variant is not predicted to impact splicing. In conclusion, we classify ABCB4 p.Gly1069= (c.3207C>T) as a likely benign variant.

Labcorp Genetics (formerly Invitae), Labcorp
Classification: Likely benign. Last evaluated: 2023-08-28. Review status: criteria provided, single submitter. Criteria: Invitae Variant Classification Sherloc (09022015). Collection method: clinical testing. Allele origin: germline.

Literature cited by the submitters: PubMed 30079523 (cited by Genomenon, Inc).

NM_000443.4(ABCB4):c.3207C>T (p.Gly1069=)

Gene: ABCB4 (ATP binding cassette subfamily B member 4; minus strand). Cytogenetic location: 7q21.12.
Variant type: single nucleotide variant.
Coding change: c.3207C>T on transcript NM_000443.4 (MANE Select); coding-DNA position 3207, C replaced by T.
Protein change: p.Gly1069=; no amino-acid change (glycine 1069 retained).
Molecular consequence: synonymous variant.
Genome position (GRCh38, 1-based): chr7:87,408,109, G>A on the plus strand (C>T on the coding strand, the complement: ABCB4 is on the minus strand). VCF-style: chr7-87408109-G-A. GRCh37 (hg19) VCF-style: chr7-87037425-G-A.
Other names: c.3207C>T, p.Gly1069= (NM_018849.3); c.3066C>T, p.Gly1022= (NM_018850.3).
Identifiers: ClinVar variation 2833837 (VCV002833837.4), dbSNP rs749666244, ClinGen allele CA4326834.